The following is an entry in ClinVar:

ClinVar aggregate classification (germline): Uncertain significance. Review status: criteria provided, multiple submitters, no conflicts (2 of 4 stars). 2 submissions from 2 submitters: Uncertain significance (2). Last evaluated 2024-12-18.

Allele frequency attached by ClinVar (database versions not stated): TOPMed 0.00003; 1000 Genomes Project 0.00020; gnomAD 0.00001; gnomAD exomes 0.00001; 1000 Genomes Project 30x 0.00031.
gnomAD v4.1: 20 of 1,555,408 alleles (0.0013%); highest among the groups gnomAD compares: Admixed American, 0.0039%; no homozygotes.

Submissions (2):

GeneDx
Classification: Uncertain significance. Last evaluated: 2024-12-18. Review status: criteria provided, single submitter. Criteria: GeneDx Variant Classification Process June 2021. Collection method: clinical testing. Allele origin: germline. Affected: yes.
Comment: In silico analysis supports that this missense variant has a deleterious effect on protein structure/function; Has not been previously published as pathogenic or benign to our knowledge

Athena Diagnostics
Classification: Uncertain significance. Last evaluated: 2022-10-11. Review status: criteria provided, single submitter. Criteria: Athena Diagnostics Criteria. Collection method: clinical testing. Allele origin: unknown.
Comment: Available data are insufficient to determine the clinical significance of the variant at this time. The frequency of this variant in the general population is uninformative in assessment of its pathogenicity. Computational tools predict that this variant is damaging.

NM_005529.7(HSPG2):c.4672G>A (p.Gly1558Ser)

Gene: HSPG2 (heparan sulfate proteoglycan 2; minus strand). Cytogenetic location: 1p36.12.
Variant type: single nucleotide variant.
Coding change: c.4672G>A on transcript NM_005529.7 (MANE Select); coding-DNA position 4672, G replaced by A.
Protein change: p.Gly1558Ser; replaces glycine 1558 with serine.
Molecular consequence: missense variant.
Genome position (GRCh38, 1-based): chr1:21,864,168, C>T on the plus strand (G>A on the coding strand, the complement: HSPG2 is on the minus strand). VCF-style: chr1-21864168-C-T. GRCh37 (hg19) VCF-style: chr1-22190661-C-T.
Other names: c.4675G>A, p.Gly1559Ser (NM_001291860.2); c.4672G>A (NM_005529.5); short protein forms G1558S, G1559S.
Identifiers: ClinVar variation 2684222 (VCV002684222.2), dbSNP rs185227881, ClinGen allele CA19134316.
Genomic context (GRCh38, chr1:21,864,168, plus strand): 5'-CCCCAGTCTCTGGGTGGCACAGGTCTGAGTGGCCATTGCATTCACATAGCTCGCAGTGGC[C>T]GAGGTAGAGCCCACTCCCGGTGCGCGTGTAGCCGGGGGCACAGTCCTAGGGGCAGAGAGG-3'
Protein context (NP_005520.4, residues 1548-1568): YTRTGSGLYL[Gly1558Ser]HCELCECNGH